The following is an entry in ClinVar:

NM_001267727.2(ARSG):c.334G>A (p.Gly112Arg)

Gene: ARSG (arylsulfatase G; plus strand). Cytogenetic location: 17q24.2.
Variant type: single nucleotide variant.
Coding change: c.334G>A on transcript NM_001267727.2 (MANE Select); coding-DNA position 334, G replaced by A.
Protein change: p.Gly112Arg; replaces glycine 112 with arginine.
Molecular consequence: missense variant.
Genome position (GRCh38, 1-based): chr17:68,343,719, G>A. VCF-style: chr17-68343719-G-A. GRCh37 (hg19) VCF-style: chr17-66339860-G-A.
Other names: c.334G>A, p.Gly112Arg (NM_001352899.2, NM_001352900.2, NM_001352901.2 and 9 more transcripts); short protein forms G112R.
Identifiers: ClinVar variation 958411 (VCV000958411.7), dbSNP rs141406045, ClinGen allele CA8728167.

ClinVar aggregate classification (germline): Uncertain significance (1 of 4 stars; one submission).

Allele frequency attached by ClinVar (database versions not stated): gnomAD 0.00002; gnomAD exomes 0.00002 and 0.00003; TOPMed 0.00002; ExAC 0.00003; ESP Exome Variant Server 0.00015.
gnomAD v4.1: 43 of 1,614,052 alleles (0.0027%); highest among the groups gnomAD compares: Non-Finnish European, 0.0036%; no homozygotes.

Submission:

Labcorp Genetics (formerly Invitae), Labcorp
Classification: Uncertain significance. Last evaluated: 2020-06-20. Review status: criteria provided, single submitter. Criteria: Invitae Variant Classification Sherloc (09022015). Collection method: clinical testing. Allele origin: germline.
Comment: In summary, the available evidence is currently insufficient to determine the role of this variant in disease. Therefore, it has been classified as a Variant of Uncertain Significance. Algorithms developed to predict the effect of missense changes on protein structure and function are either unavailable or do not agree on the potential impact of this missense change (SIFT: "Tolerated"; PolyPhen-2: "Probably Damaging"; Align-GVGD: "Class C0"). This variant has not been reported in the literature in individuals with ARSG-related conditions. This variant is present in population databases (rs141406045, ExAC 0.006%). This sequence change replaces glycine with arginine at codon 112 of the ARSG protein (p.Gly112Arg). The glycine residue is moderately conserved and there is a moderate physicochemical difference between glycine and arginine.